The following is an entry in ClinVar:

NM_014489.4(PGAP2):c.146C>T (p.Thr49Ile)

Gene: PGAP2 (post-GPI attachment to proteins 2; plus strand). Cytogenetic location: 11p15.4.
Variant type: single nucleotide variant.
Coding change: c.146C>T on transcript NM_014489.4 (MANE Select); coding-DNA position 146, C replaced by T.
Protein change: p.Thr49Ile; replaces threonine 49 with isoleucine.
Molecular consequence: missense variant. On other transcripts: 5 prime UTR variant (2), nonsense (2), non-coding transcript variant (5), intron variant (2).
Genome position (GRCh38, 1-based): chr11:3,811,405, C>T. VCF-style: chr11-3811405-C-T. GRCh37 (hg19) VCF-style: chr11-3832635-C-T.
Other names: c.-58C>T (NM_001346399.2, NM_001346401.2); c.146C>T, p.Thr49Ile (NM_001346400.2, NM_001346403.1, NM_001346404.1 and 9 more transcripts); c.181C>T, p.Gln61Ter (NM_001346402.2); c.115C>T, p.Gln39Ter (NM_001256235.2); c.299C>T, p.Thr100Ile (NM_001346397.2); c.161+3090C>T (NM_001283040.1); c.-41+3090C>T (NM_001283039.2); short protein forms T49I, T106I, Q39*, Q61*, T100I.
Identifiers: ClinVar variation 2235024 (VCV002235024.3), dbSNP rs2495380745, ClinGen allele CA379186311.

ClinVar aggregate classification (germline): Conflicting classifications of pathogenicity. Review status: criteria provided, conflicting classifications (1 of 4 stars). 2 submissions from 2 submitters: Likely pathogenic (1); Uncertain significance (1). Last evaluated 2024-01-23.

Conditions:
Inborn genetic diseases. Identifiers: MedGen C0950123, MeSH D030342.
Hyperphosphatasia with impaired intellectual development syndrome 3. Also called: Hyperphosphatasia with intellectual disability syndrome 3; GLYCOSYLPHOSPHATIDYLINOSITOL BIOSYNTHESIS DEFECT 8. Identifiers: Orphanet 247262, MedGen C3280153, MONDO:0013628, OMIM 614207.

Submissions (2):

Institute of Human Genetics, University of Leipzig Medical Center
Classification: Likely pathogenic for Hyperphosphatasia with impaired intellectual development syndrome 3. Last evaluated: 2024-01-23. Review status: criteria provided, single submitter. Criteria: ACMG Guidelines, 2015. Collection method: clinical testing. Allele origin: paternal. Inheritance: Autosomal recessive inheritance. Affected: yes.
Comment: Criteria applied: PP4_STR, PM2_SUP, PP3; Identified as compund heterozygous with NM_014489.4:c.737G>T

Ambry Genetics
Classification: Uncertain significance for Inborn genetic diseases. Last evaluated: 2021-07-06. Review status: criteria provided, single submitter. Criteria: Ambry Variant Classification Scheme 2023. Collection method: clinical testing. Allele origin: germline.